The following is an entry in ClinVar:

ClinVar aggregate classification (germline): Uncertain significance. Review status: criteria provided, multiple submitters, no conflicts (2 of 4 stars). 2 submissions from 2 submitters: Uncertain significance (2). Last evaluated 2022-10-03.

Conditions:
Renal carnitine transport defect (CDSP). Also called: Systemic primary carnitine deficiency disease; CARNITINE DEFICIENCY, SYSTEMIC, DUE TO DEFECT IN RENAL REABSORPTION OF CARNITINE; CARNITINE TRANSPORTER, PLASMA-MEMBRANE, DEFICIENCY OF; CARNITINE UPTAKE DEFECT; Systemic primary carnitine deficiency; Carnitine transporter deficiency. Identifiers: Orphanet 158, MedGen C0342788, MONDO:0008919, OMIM 212140.

Allele frequency attached by ClinVar (database versions not stated): gnomAD exomes below 0.00001; gnomAD 0.00001.
gnomAD v4.1: 2 of 1,613,890 alleles (0.00012%); highest among the groups gnomAD compares: African/African-American, 0.0027%; no homozygotes.

Submissions (2):

Giacomini Lab, University of California, San Francisco
Classification: Uncertain significance for Renal carnitine transport defect. Last evaluated: 2022-10-03. Review status: criteria provided, single submitter. Criteria: ACMG Guidelines, 2015. Collection method: research, in vitro. Allele origin: germline, not applicable.

Labcorp Genetics (formerly Invitae), Labcorp
Classification: Uncertain significance for Renal carnitine transport defect. Last evaluated: 2022-08-03. Review status: criteria provided, single submitter. Criteria: Invitae Variant Classification Sherloc (09022015). Collection method: clinical testing. Allele origin: germline.
Comment: This sequence change replaces leucine, which is neutral and non-polar, with valine, which is neutral and non-polar, at codon 334 of the SLC22A5 protein (p.Leu334Val). This variant is present in population databases (no rsID available, gnomAD 0.007%). This variant has not been reported in the literature in individuals affected with SLC22A5-related conditions. Algorithms developed to predict the effect of missense changes on protein structure and function are either unavailable or do not agree on the potential impact of this missense change (SIFT: "Tolerated"; PolyPhen-2: "Possibly Damaging"; Align-GVGD: "Class C0"). In summary, the available evidence is currently insufficient to determine the role of this variant in disease. Therefore, it has been classified as a Variant of Uncertain Significance.

NM_003060.4(SLC22A5):c.1000C>G (p.Leu334Val)

Gene: SLC22A5 (solute carrier family 22 member 5; plus strand). Cytogenetic location: 5q31.1.
Variant type: single nucleotide variant.
Coding change: c.1000C>G on transcript NM_003060.4 (MANE Select); coding-DNA position 1000, C replaced by G.
Protein change: p.Leu334Val; replaces leucine 334 with valine.
Molecular consequence: missense variant.
Genome position (GRCh38, 1-based): chr5:132,388,969, C>G. VCF-style: chr5-132388969-C-G. GRCh37 (hg19) VCF-style: chr5-131724661-C-G.
Other names: p.Leu334Val; c.1072C>G, p.Leu358Val (NM_001308122.2); short protein forms L334V, L358V.
Identifiers: ClinVar variation 1707699 (VCV001707699.4), dbSNP rs1209811452, ClinGen allele CA360806330.
Genomic context (GRCh38, chr5:132,388,969, plus strand): 5'-TTGTTCCTGCAGTTACAAGACCTAAGTTCCAAGAAGCAGCAGTCCCACAACATTCTGGAT[C>G]TGCTTCGAACCTGGAATATCCGGATGGTCACCATCATGTCCATAATGCTGTGGTATGTAA-3'
Protein context (NP_003051.1, residues 324-344): KKQQSHNILD[Leu334Val]LRTWNIRMVT